The following is an entry in ClinVar:

NM_006915.3(RP2):c.11TCT[1] (p.Phe5del)

Genes: RP2 (RP2 activator of ARL3 GTPase; plus strand), LOC130068202 (ATAC-STARR-seq lymphoblastoid active region 29577; plus strand). Cytogenetic location: Xp11.3.
Variant type: Microsatellite.
Coding change: c.11TCT[1] on transcript NM_006915.3 (MANE Select); one copy of the 3-base unit TCT starting at c.11; the reference has two copies in a row; one copy, 3 bases deleted; also written c.14_16del.
Protein change: p.Phe5del; deletes phenylalanine 5.
Molecular consequence: inframe deletion.
Genome position (GRCh38, 1-based): chrX:46,837,114-46,837,116, TCT deleted; deleting any 3 consecutive bases within chrX:46,837,109-46,837,116 gives the same sequence; the position shown is the placement nearest the transcript's 3' end. VCF-style (leftmost placement, unchanged base first): chrX-46837108-GCTT-G. GRCh37 (hg19) VCF-style: chrX-46696543-GCTT-G.
Other names: NC_000023.10:g.46696549_46696551del; NP_008846.2:p.(Phe5del); c.14_16delTCT (NM_006915.2); c.14_16del (NM_006915.3, NM_006915.2); short protein forms F5del.
Identifiers: ClinVar variation 437942 (VCV000437942.52), dbSNP rs1556313414, ClinGen allele CA645509226.

ClinVar aggregate classification (germline): Conflicting classifications of pathogenicity. Review status: criteria provided, conflicting classifications (1 of 4 stars). 8 submissions from 7 submitters: Pathogenic (5); Likely pathogenic (1); Uncertain significance (1). 1 of the submissions does not count toward it. Last evaluated 2026-02-09.

Conditions:
RP2-related disorder. Also called: RP2-related condition.
Retinal dystrophy. Also called: Inherited retinal dystrophy. Identifiers: Orphanet 71862, MedGen C0854723, MeSH D058499, MONDO:0019118, HP:0000556.
Macular dystrophy. Identifiers: MedGen C0730292, HP:0007754.
Cone-rod dystrophy. Also called: Cone-rod degeneration; Cone/cone-rod dystrophy. Identifiers: Orphanet 1872, MedGen C4085590, MONDO:0015993, HP:0000548.

Submissions (8):

GeneDx
Classification: Likely pathogenic. Last evaluated: 2026-02-09. Review status: criteria provided, single submitter. Criteria: GeneDx Variant Classification Process June 2021. Collection method: clinical testing. Allele origin: germline.
Comment: Identified in patients with RP2-related eye disorders in published literature (PMID: 33608557, 28041643, 18552978); Published functional studies suggest a damaging effect on protein stability (PMID: 28209709); In-frame deletion of one amino acid in a non-repeat region; Not observed at significant frequency in large population cohorts (gnomAD); In silico analysis supports a deleterious effect on protein structure/function; This variant is associated with the following publications: (PMID: 18552978, 28041643, 36909829, 37734845, 33090715, 33608557, 32581362, 28209709, 38927562, 39676705, 39202371, 38219857)

Ophthalmic Genetics Group, Institute of Molecular and Clinical Ophthalmology Basel
Classification: Pathogenic for Cone-rod dystrophy. Last evaluated: 2023-07-24. Review status: criteria provided, single submitter. Criteria: ACMG Guidelines, 2015. Collection method: research. Allele origin: germline. Affected: yes. Observed: 1 variant allele.
Comment: Clinical significance based on ACMG v2.0

This variant was classified as Pathogenic based on ACMG criteria: PP5, PM2, PM4, PS4.

Ophthalmic Genetics Group, Institute of Molecular and Clinical Ophthalmology Basel
Classification: Pathogenic for Retinal dystrophy. Last evaluated: 2023-07-24. Review status: criteria provided, single submitter. Criteria: ACMG Guidelines, 2015. Collection method: research. Allele origin: germline. Affected: yes. Observed: 1 variant allele.
Comment: the same text as in the submission from Ophthalmic Genetics Group, Institute of Molecular and Clinical Ophthalmology Basel above.

CeGaT Center for Human Genetics Tuebingen
Classification: Pathogenic. Last evaluated: 2023-01-01. Review status: criteria provided, single submitter. Criteria: CeGaT Center For Human Genetics Tuebingen Variant Classification Criteria Version 2. Collection method: clinical testing. Allele origin: germline. Affected: yes. Observed: 2 variant alleles.

Labcorp Genetics (formerly Invitae), Labcorp
Classification: Uncertain significance. Last evaluated: 2022-11-01. Review status: criteria provided, single submitter. Criteria: Invitae Variant Classification Sherloc (09022015). Collection method: clinical testing. Allele origin: germline.
Comment: This variant, c.14_16del, results in the deletion of 1 amino acid(s) of the RP2 protein (p.Phe5del), but otherwise preserves the integrity of the reading frame. This variant is not present in population databases (gnomAD no frequency). This variant has been observed in individual(s) with RP2-related conditions (PMID: 18552978, 32581362). This variant is also known as c.13_15del3. ClinVar contains an entry for this variant (Variation ID: 437942). Algorithms developed to predict the effect of variants on protein structure and function are not available or were not evaluated for this variant. Experimental studies have shown that this variant affects RP2 function (PMID: 28209709). In summary, the available evidence is currently insufficient to determine the role of this variant in disease. Therefore, it has been classified as a Variant of Uncertain Significance.

Blueprint Genetics
Classification: Pathogenic for RP2-related disorders. Last evaluated: 2021-10-06. Review status: criteria provided, single submitter. Criteria: ACMG Guidelines, 2015. Collection method: clinical testing. Allele origin: germline. Affected: yes. Observed: 5 variant alleles.

Institute of Medical Genetics and Applied Genomics, University Hospital Tübingen
Classification: Pathogenic. Last evaluated: 2021-09-15. Review status: criteria provided, single submitter. Criteria: ACMG Guidelines, 2015. Collection method: clinical testing. Allele origin: germline. Inheritance: X-linked dominant inheritance. Affected: yes.

NIHR Bioresource Rare Diseases, University of Cambridge
Classification: Likely pathogenic for Macular dystrophy. Last evaluated: 2015-01-01. Review status: no assertion criteria provided. Collection method: research. Allele origin: unknown. Affected: yes. Observed: 1 variant allele. Not counted in ClinVar's aggregate classification.

Literature cited by the submitters: PubMed 36909829 (cited by Ophthalmic Genetics Group, Institute of Molecular and Clinical Ophthalmology Basel); PubMed 18552978 (cited by Labcorp Genetics (formerly Invitae), Labcorp and NIHR Bioresource Rare Diseases, University of Cambridge); PubMed 32581362 (cited by Labcorp Genetics (formerly Invitae), Labcorp); PubMed 28209709 (cited by Labcorp Genetics (formerly Invitae), Labcorp); PubMed 28041643 (cited by NIHR Bioresource Rare Diseases, University of Cambridge).